The following is an entry in ClinVar:

NM_017780.4(CHD7):c.6321C>A (p.His2107Gln)

Gene: CHD7 (chromodomain helicase DNA binding protein 7; plus strand). Cytogenetic location: 8q12.2.
Variant type: single nucleotide variant.
Coding change: c.6321C>A on transcript NM_017780.4 (MANE Select); coding-DNA position 6321, C replaced by A.
Protein change: p.His2107Gln; replaces histidine 2107 with glutamine.
Molecular consequence: missense variant. On other transcripts: intron variant (1).
Genome position (GRCh38, 1-based): chr8:60,853,046, C>A. VCF-style: chr8-60853046-C-A. GRCh37 (hg19) VCF-style: chr8-61765605-C-A.
Other names: c.1717-9183C>A (NM_001316690.1); short protein forms H2107Q.
Identifiers: ClinVar variation 2830872 (VCV002830872.3), dbSNP rs778800676, ClinGen allele CA371324783.

ClinVar aggregate classification (germline): Uncertain significance (1 of 4 stars; one submission).

Conditions:
CHARGE syndrome (CHARGE). Also called: Hittner Hirsch Kreh syndrome; CHARGE ASSOCIATION--COLOBOMA, HEART ANOMALY, CHOANAL ATRESIA, RETARDATION, GENITAL AND EAR ANOMALIES; Coloboma, heart anomaly, choanal atresia, retardation, genital and ear anomalies; CHARGE association; Hall-Hittner syndrome. Identifiers: Orphanet 138, MedGen C0265354, MONDO:0008965.

Submission:

Labcorp Genetics (formerly Invitae), Labcorp
Classification: Uncertain significance for CHARGE syndrome. Last evaluated: 2023-01-21. Review status: criteria provided, single submitter. Criteria: Invitae Variant Classification Sherloc (09022015). Collection method: clinical testing. Allele origin: germline.
Comment: In summary, the available evidence is currently insufficient to determine the role of this variant in disease. Therefore, it has been classified as a Variant of Uncertain Significance. Advanced modeling of protein sequence and biophysical properties (such as structural, functional, and spatial information, amino acid conservation, physicochemical variation, residue mobility, and thermodynamic stability) performed at Invitae indicates that this missense variant is expected to disrupt CHD7 protein function. This variant has not been reported in the literature in individuals affected with CHD7-related conditions. This variant is not present in population databases (gnomAD no frequency). This sequence change replaces histidine, which is basic and polar, with glutamine, which is neutral and polar, at codon 2107 of the CHD7 protein (p.His2107Gln).